The following is an entry in ClinVar:

NM_000540.3(RYR1):c.12324G>C (p.Gln4108His)

Gene: RYR1 (ryanodine receptor 1; plus strand). Cytogenetic location: 19q13.2.
Variant type: single nucleotide variant.
Coding change: c.12324G>C on transcript NM_000540.3 (MANE Select); coding-DNA position 12324, G replaced by C.
Protein change: p.Gln4108His; replaces glutamine 4108 with histidine.
Molecular consequence: missense variant.
Genome position (GRCh38, 1-based): chr19:38,561,154, G>C. VCF-style: chr19-38561154-G-C. GRCh37 (hg19) VCF-style: chr19-39051794-G-C.
Other names: c.12309G>C, p.Gln4103His (NM_001042723.2); short protein forms Q4103H, Q4108H.
Identifiers: ClinVar variation 1011341 (VCV001011341.8), dbSNP rs762061959, ClinGen allele CA058706.

ClinVar aggregate classification (germline): Uncertain significance. Review status: criteria provided, multiple submitters, no conflicts (2 of 4 stars). 3 submissions from 3 submitters: Uncertain significance (3). Last evaluated 2025-09-22.

Conditions:
RYR1-related disorder. Also called: RYR1-related disorders; RYR1-related condition. Identifiers: MedGen CN239331.
Congenital multicore myopathy with external ophthalmoplegia (CMYO1B). Also called: Minicore myopathy with external ophthalmoplegia; MULTIMINICORE DISEASE WITH EXTERNAL OPHTHALMOPLEGIA; Congenital myopathy 1B, autosomal recessive; Minicore myopathy; MULTICORE MYOPATHY. Identifiers: Orphanet 598, Orphanet 98905, MedGen C1850674, MONDO:0009712, OMIM 255320, HP:0003789.
Malignant hyperthermia, susceptibility to, 1 (MHS1). Also called: Malignant hyperthermia suceptibility 1; RYR1-Related Malignant Hyperthermia Susceptibility; Anesthesia related hyperthermia; Malignant hyperpyrexia; Fulminating hyperpyrexia; Pharmacogenic myopathy. Identifiers: Orphanet 423, MedGen C2930980, MONDO:0007783, OMIM 145600.

Allele frequency attached by ClinVar (database versions not stated): ExAC 0.00001; TOPMed 0.00002; gnomAD 0.00003 and 0.00004.
gnomAD v4.1: 14 of 1,614,036 alleles (0.00087%); highest among the groups gnomAD compares: East Asian, 0.022%; no homozygotes.

Submissions (3):

Color Diagnostics, LLC DBA Color Health
Classification: Uncertain significance for Malignant hyperthermia, susceptibility to, 1. Last evaluated: 2025-09-22. Review status: criteria provided, single submitter. Criteria: ACMG Guidelines, 2015. Collection method: clinical testing. Allele origin: germline.
Comment: This missense variant replaces glutamine with histidine at codon 4108 of the RYR1 protein. Computational prediction suggests that this variant may not impact protein structure and function. To our knowledge, functional studies have not been reported for this variant. This variant has not been reported in individuals affected with malignant hyperthermia susceptibility in the literature. This variant has been identified in 9/280702 chromosomes in the general population by the Genome Aggregation Database (gnomAD). The available evidence is insufficient to determine the role of this variant in disease conclusively. Therefore, this variant is classified as a Variant of Uncertain Significance.

Labcorp Genetics (formerly Invitae), Labcorp
Classification: Uncertain significance for RYR1-related disorder. Last evaluated: 2025-06-12. Review status: criteria provided, single submitter. Criteria: Invitae Variant Classification Sherloc (09022015). Collection method: clinical testing. Allele origin: germline.
Comment: This sequence change replaces glutamine, which is neutral and polar, with histidine, which is basic and polar, at codon 4108 of the RYR1 protein (p.Gln4108His). This variant is present in population databases (rs762061959, gnomAD 0.04%). This variant has not been reported in the literature in individuals affected with RYR1-related conditions. ClinVar contains an entry for this variant (Variation ID: 1011341). Invitae Evidence Modeling of protein sequence and biophysical properties (such as structural, functional, and spatial information, amino acid conservation, physicochemical variation, residue mobility, and thermodynamic stability) indicates that this missense variant is not expected to disrupt RYR1 protein function with a negative predictive value of 80%. In summary, the available evidence is currently insufficient to determine the role of this variant in disease. Therefore, it has been classified as a Variant of Uncertain Significance.

Pediatric Department, Peking University First Hospital
Classification: Uncertain significance for Congenital multicore myopathy with external ophthalmoplegia. Last evaluated: 2022-02-08. Review status: criteria provided, single submitter. Criteria: ACMG Guidelines, 2015. Collection method: provider interpretation. Allele origin: maternal. Affected: yes.